The following is an entry in ClinVar:

NM_006231.4(POLE):c.4552-11C>G

Gene: POLE (DNA polymerase epsilon, catalytic subunit; minus strand). Cytogenetic location: 12q24.33.
Variant type: single nucleotide variant.
Coding change: c.4552-11C>G on transcript NM_006231.4 (MANE Select); 11 bases into the intron before coding-DNA position 4552, C replaced by G.
Molecular consequence: intron variant.
Genome position (GRCh38, 1-based): chr12:132,643,007, G>C on the plus strand (C>G on the coding strand, the complement: POLE is on the minus strand). VCF-style: chr12-132643007-G-C. GRCh37 (hg19) VCF-style: chr12-133219593-G-C.
Identifiers: ClinVar variation 392422 (VCV000392422.8), dbSNP rs202176361, ClinGen allele CA16606141.

ClinVar aggregate classification (germline): Likely benign. Review status: criteria provided, multiple submitters, no conflicts (2 of 4 stars). 2 submissions from 2 submitters: Likely benign (2). Last evaluated 2026-01-20.

Allele frequency attached by ClinVar (database versions not stated): TOPMed 0.00001.

Submissions (2):

Labcorp Genetics (formerly Invitae), Labcorp
Classification: Likely benign. Last evaluated: 2026-01-20. Review status: criteria provided, single submitter. Criteria: Invitae Variant Classification Sherloc (09022015). Collection method: clinical testing. Allele origin: germline.

GeneDx
Classification: Likely benign. Last evaluated: 2016-12-29. Review status: criteria provided, single submitter. Criteria: GeneDx Variant Classification (06012015). Collection method: clinical testing. Allele origin: germline. Affected: yes.
Comment: This variant is considered likely benign or benign based on one or more of the following criteria: it is a conservative change, it occurs at a poorly conserved position in the protein, it is predicted to be benign by multiple in silico algorithms, and/or has population frequency not consistent with disease.